The following is an entry in ClinVar:

ClinVar aggregate classification (germline): Conflicting classifications of pathogenicity. Review status: criteria provided, conflicting classifications (1 of 4 stars). 3 submissions from 3 submitters: Uncertain significance (1); Likely benign (2). Last evaluated 2025-10-02.

Conditions:
Inborn genetic diseases. Identifiers: MedGen C0950123, MeSH D030342.
Greig cephalopolysyndactyly syndrome (GCPS). Also called: POLYSYNDACTYLY WITH PECULIAR SKULL SHAPE; GLI3-Related Greig Cephalopolysyndactyly Syndrome; Greig syndrome. Identifiers: Orphanet 380, MedGen C0265306, MONDO:0008287, OMIM 175700.
Pallister-Hall syndrome (PHS). Also called: GLI3-Related Pallister-Hall Syndrome; HYPOTHALAMIC HAMARTOBLASTOMA, HYPOPITUITARISM, IMPERFORATE ANUS, AND POSTAXIAL POLYDACTYLY. Identifiers: Orphanet 672, MedGen C0265220, MONDO:0007804, OMIM 146510.

Allele frequency attached by ClinVar (database versions not stated): ExAC 0.00001; gnomAD exomes 0.00001 and 0.00004; gnomAD 0.00008 and 0.00009; TOPMed 0.00026.

Submissions (3):

Labcorp Genetics (formerly Invitae), Labcorp
Classification: Likely benign for Pallister-Hall syndrome; Greig cephalopolysyndactyly syndrome. Last evaluated: 2025-10-02. Review status: criteria provided, single submitter. Criteria: Invitae Variant Classification Sherloc (09022015). Collection method: clinical testing. Allele origin: germline.

Ambry Genetics
Classification: Uncertain significance for Inborn genetic diseases. Last evaluated: 2023-12-11. Review status: criteria provided, single submitter. Criteria: Ambry Variant Classification Scheme 2023. Collection method: clinical testing. Allele origin: germline.

GeneDx
Classification: Likely benign. Last evaluated: 2021-06-09. Review status: criteria provided, single submitter. Criteria: GeneDx Variant Classification Process June 2021. Collection method: clinical testing. Allele origin: germline. Affected: yes.
Comment: In silico analysis, which includes protein predictors and evolutionary conservation, supports that this variant does not alter protein structure/function; Has not been previously published as pathogenic or benign to our knowledge

NM_000168.6(GLI3):c.3079C>T (p.Leu1027Phe)

Gene: GLI3 (GLI family zinc finger 3; minus strand). Cytogenetic location: 7p14.1.
Variant type: single nucleotide variant.
Coding change: c.3079C>T on transcript NM_000168.6 (MANE Select); coding-DNA position 3079, C replaced by T.
Protein change: p.Leu1027Phe; replaces leucine 1027 with phenylalanine.
Molecular consequence: missense variant.
Genome position (GRCh38, 1-based): chr7:41,965,994, G>A on the plus strand (C>T on the coding strand, the complement: GLI3 is on the minus strand). VCF-style: chr7-41965994-G-A. GRCh37 (hg19) VCF-style: chr7-42005592-G-A.
Other names: short protein forms L1027F.
Identifiers: ClinVar variation 528801 (VCV000528801.12), dbSNP rs746534141, ClinGen allele CA4230460.